The following is an entry in ClinVar:

ClinVar aggregate classification (germline): Uncertain significance (1 of 4 stars; one submission).

Conditions:
Hereditary cancer-predisposing syndrome. Also called: Hereditary Cancer Syndrome; Neoplastic Syndromes, Hereditary; Tumor predisposition; Hereditary neoplastic syndrome. Identifiers: Orphanet 140162, MedGen C0027672, MeSH D009386, MONDO:0015356.

Submission:

Ambry Genetics
Classification: Uncertain significance for Hereditary cancer-predisposing syndrome. Last evaluated: 2026-07-13. Review status: criteria provided, single submitter. Criteria: Ambry Variant Classification Scheme 2023. Collection method: clinical testing. Allele origin: germline.
Comment: The p.C333* variant (also known as c.999C>A), located in coding exon 8 of the EGFR gene, results from a C to A substitution at nucleotide position 999. This changes the amino acid from a cysteine to a stop codon within coding exon 8. This alteration is expected to result in loss of function by premature protein truncation or nonsense-mediated mRNA decay. Although biallelic loss of function of EGFR are known to cause EGFR-related neonatal inflammatory skin and bowel disease, such associations with EGFR-related lung cancer have not been reported. Based on the supporting evidence, this variant is expected to be causative of EGFR-related neonatal inflammatory skin and bowel disease when present along with a second pathogenic variant on the other allele; however, its clinical significance for EGFR-related lung cancer is unclear.

NM_005228.5(EGFR):c.999C>A (p.Cys333Ter)

Gene: EGFR (epidermal growth factor receptor; plus strand). Cytogenetic location: 7p11.2.
Variant type: single nucleotide variant.
Coding change: c.999C>A on transcript NM_005228.5 (MANE Select); coding-DNA position 999, C replaced by A.
Protein change: p.Cys333Ter; replaces cysteine 333 with a stop codon.
Molecular consequence: nonsense.
Genome position (GRCh38, 1-based): chr7:55,155,939, C>A. VCF-style: chr7-55155939-C-A. GRCh37 (hg19) VCF-style: chr7-55223632-C-A.
Other names: c.864C>A, p.Cys288Ter (NM_001346897.2, NM_001346899.2); c.999C>A, p.Cys333Ter (NM_001346898.2, NM_201282.2, NM_201283.2 and 1 more transcripts); c.840C>A, p.Cys280Ter (NM_001346900.2); c.198C>A, p.Cys66Ter (NM_001346941.2); short protein forms C66*, C288*, C280*, C333*.
Identifiers: ClinVar variation 5035797 (VCV005035797.1).